The following is an entry in ClinVar:

ClinVar aggregate classification (germline): Uncertain significance. Review status: criteria provided, multiple submitters, no conflicts (2 of 4 stars). 2 submissions from 2 submitters: Uncertain significance (2). Last evaluated 2025-07-30.

Conditions:
Gorlin syndrome. Also called: Nevoid Basal Cell Carcinoma Syndrome; Basal cell nevus syndrome. Identifiers: Orphanet 377, MedGen C0004779, MONDO:0007187.
Hereditary cancer-predisposing syndrome. Also called: Neoplastic Syndromes, Hereditary; Hereditary neoplastic syndrome; Tumor predisposition; Hereditary Cancer Syndrome. Identifiers: Orphanet 140162, MedGen C0027672, MeSH D009386, MONDO:0015356.

Submissions (2):

Labcorp Genetics (formerly Invitae), Labcorp
Classification: Uncertain significance for Gorlin syndrome. Last evaluated: 2025-07-30. Review status: criteria provided, single submitter. Criteria: Invitae Variant Classification Sherloc (09022015). Collection method: clinical testing. Allele origin: germline.
Comment: This sequence change replaces lysine, which is basic and polar, with arginine, which is basic and polar, at codon 89 of the PTCH1 protein (p.Lys89Arg). This variant is not present in population databases (gnomAD no frequency). This variant has not been reported in the literature in individuals affected with PTCH1-related conditions. ClinVar contains an entry for this variant (Variation ID: 841933). Invitae Evidence Modeling of protein sequence and biophysical properties (such as structural, functional, and spatial information, amino acid conservation, physicochemical variation, residue mobility, and thermodynamic stability) indicates that this missense variant is not expected to disrupt PTCH1 protein function with a negative predictive value of 95%. In summary, the available evidence is currently insufficient to determine the role of this variant in disease. Therefore, it has been classified as a Variant of Uncertain Significance.

Ambry Genetics
Classification: Uncertain significance for Hereditary cancer-predisposing syndrome. Last evaluated: 2022-05-10. Review status: criteria provided, single submitter. Criteria: Ambry Variant Classification Scheme 2023. Collection method: clinical testing. Allele origin: germline.
Comment: The p.K89R variant (also known as c.266A>G), located in coding exon 2 of the PTCH1 gene, results from an A to G substitution at nucleotide position 266. The lysine at codon 89 is replaced by arginine, an amino acid with highly similar properties. This amino acid position is conserved. In addition, this alteration is predicted to be tolerated by in silico analysis. Since supporting evidence is limited at this time, the clinical significance of this alteration remains unclear.

NM_000264.5(PTCH1):c.266A>G (p.Lys89Arg)

Gene: PTCH1 (patched 1; minus strand). Cytogenetic location: 9q22.32.
Variant type: single nucleotide variant.
Coding change: c.266A>G on transcript NM_000264.5 (MANE Select); coding-DNA position 266, A replaced by G.
Protein change: p.Lys89Arg; replaces lysine 89 with arginine.
Molecular consequence: missense variant. On other transcripts: 5 prime UTR variant (4), non-coding transcript variant (1).
Genome position (GRCh38, 1-based): chr9:95,506,535, T>C on the plus strand (A>G on the coding strand, the complement: PTCH1 is on the minus strand). VCF-style: chr9-95506535-T-C. GRCh37 (hg19) VCF-style: chr9-98268817-T-C.
Other names: c.68A>G, p.Lys23Arg (NM_001083602.3, NM_001354919.2); c.263A>G, p.Lys88Arg (NM_001083603.3); c.-188A>G (NM_001083604.3, NM_001083605.3, NM_001083606.3 and 1 more transcripts); c.266A>G, p.Lys89Arg (NM_001354918.2); short protein forms K23R, K89R, K88R.
Identifiers: ClinVar variation 841933 (VCV000841933.15), dbSNP rs1843661629, ClinGen allele CA374120450.
Genomic context (GRCh38, chr9:95,506,535, plus strand): 5'-AATATGAGGAGGCCCACAACCAAGAACTTGCCGCAGTTTTTTTGAATGTAACAACCCAGT[T>C]TAAATAAGAGTCTCTGAAACTTCGCTCTCAGCCACAGCGGCGCTTTCCGGCCAGTAGCCT-3'
Protein context (NP_000255.2, residues 79-99): LRAKFQRLLF[Lys89Arg]LGCYIQKNCG